The following is an entry in ClinVar:

NM_004655.4(AXIN2):c.1438C>G (p.Leu480Val)

Gene: AXIN2 (axin 2; minus strand). Cytogenetic location: 17q24.1.
Variant type: single nucleotide variant.
Coding change: c.1438C>G on transcript NM_004655.4 (MANE Select); coding-DNA position 1438, C replaced by G.
Protein change: p.Leu480Val; replaces leucine 480 with valine.
Molecular consequence: missense variant.
Genome position (GRCh38, 1-based): chr17:65,537,598, G>C on the plus strand (C>G on the coding strand, the complement: AXIN2 is on the minus strand). VCF-style: chr17-65537598-G-C. GRCh37 (hg19) VCF-style: chr17-63533716-G-C.
Other names: c.1438C>G, p.Leu480Val (NM_001363813.1); short protein forms L480V.
Identifiers: ClinVar variation 951735 (VCV000951735.9), dbSNP rs1060504490, ClinGen allele CA400677496.

ClinVar aggregate classification (germline): Uncertain significance (1 of 4 stars; one submission).

Conditions:
Oligodontia-cancer predisposition syndrome. Also called: TOOTH AGENESIS-COLORECTAL CANCER SYNDROME. Identifiers: Orphanet 300576, MedGen C1837750, MONDO:0012075, OMIM 608615. Disease mechanism: loss of function.

gnomAD v4.1: 1 of 1,604,484 alleles (0.000062%); highest among the groups gnomAD compares: Non-Finnish European, 0.000085%; no homozygotes.

Submission:

Labcorp Genetics (formerly Invitae), Labcorp
Classification: Uncertain significance for Oligodontia-cancer predisposition syndrome. Last evaluated: 2022-03-08. Review status: criteria provided, single submitter. Criteria: Invitae Variant Classification Sherloc (09022015). Collection method: clinical testing. Allele origin: germline.
Comment: In summary, the available evidence is currently insufficient to determine the role of this variant in disease. Therefore, it has been classified as a Variant of Uncertain Significance. Algorithms developed to predict the effect of missense changes on protein structure and function are either unavailable or do not agree on the potential impact of this missense change (SIFT: "Deleterious"; PolyPhen-2: "Benign"; Align-GVGD: "Class C0"). ClinVar contains an entry for this variant (Variation ID: 951735). This variant has not been reported in the literature in individuals affected with AXIN2-related conditions. This variant is not present in population databases (gnomAD no frequency). This sequence change replaces leucine, which is neutral and non-polar, with valine, which is neutral and non-polar, at codon 480 of the AXIN2 protein (p.Leu480Val).